The following is an entry in ClinVar:

NM_198271.5(LMOD3):c.1140G>A (p.Pro380=)

Gene: LMOD3 (leiomodin 3; minus strand). Cytogenetic location: 3p14.1.
Variant type: single nucleotide variant.
Coding change: c.1140G>A on transcript NM_198271.5 (MANE Select); coding-DNA position 1140, G replaced by A.
Protein change: p.Pro380=; no amino-acid change (proline 380 retained).
Molecular consequence: synonymous variant.
Genome position (GRCh38, 1-based): chr3:69,119,215, C>T on the plus strand (G>A on the coding strand, the complement: LMOD3 is on the minus strand). VCF-style: chr3-69119215-C-T. GRCh37 (hg19) VCF-style: chr3-69168366-C-T.
Other names: c.1140G>A, p.Pro380= (NM_001304418.3).
Identifiers: ClinVar variation 2154645 (VCV002154645.8), dbSNP rs1269451090, ClinGen allele CA434426485.
Genomic context (GRCh38, chr3:69,119,215, plus strand): 5'-TTTCTGCCTTTGTTTATCCTGATTCCTGGTGAGCAGATTAGTGACCACCATTCTGGGACC[C>T]GGAAGCTCAAAATGGTAGCCCATCTTCAGGAGAGTGTTGTTTGCCTTCAAAAGCCTGGCT-3'
Protein context (NP_938012.2, residues 370-390): LLKMGYHFEL[Pro380=]GPRMVVTNLL

ClinVar aggregate classification (germline): Likely benign. Review status: criteria provided, multiple submitters, no conflicts (2 of 4 stars). 2 submissions from 2 submitters: Likely benign (2). Last evaluated 2026-03-01.

Conditions:
Nemaline myopathy 10 (NEM10). Identifiers: MedGen C4015360, MONDO:0014513, OMIM 616165.

Allele frequency attached by ClinVar (database versions not stated): gnomAD exomes 0.00001; TOPMed below 0.00001.
gnomAD v4.1: 20 of 1,613,796 alleles (0.0012%); highest among the groups gnomAD compares: Middle Eastern, 0.033%; no homozygotes.

Submissions (2):

CeGaT Center for Human Genetics Tuebingen
Classification: Likely benign. Last evaluated: 2026-03-01. Review status: criteria provided, single submitter. Criteria: CeGaT Center For Human Genetics Tuebingen Variant Classification Criteria Version 2. Collection method: clinical testing. Allele origin: germline. Affected: yes. Observed: 1 variant allele.
Comment: LMOD3: BP4, BP7

Labcorp Genetics (formerly Invitae), Labcorp
Classification: Likely benign for Nemaline myopathy 10. Last evaluated: 2025-11-03. Review status: criteria provided, single submitter. Criteria: Invitae Variant Classification Sherloc (09022015). Collection method: clinical testing. Allele origin: germline.